The following is an entry in ClinVar:

NM_005477.3(HCN4):c.460C>T (p.Arg154Cys)

Gene: HCN4 (hyperpolarization activated cyclic nucleotide gated potassium channel 4; minus strand). Cytogenetic location: 15q24.1.
Variant type: single nucleotide variant.
Coding change: c.460C>T on transcript NM_005477.3 (MANE Select); coding-DNA position 460, C replaced by T.
Protein change: p.Arg154Cys; replaces arginine 154 with cysteine.
Molecular consequence: missense variant.
Genome position (GRCh38, 1-based): chr15:73,367,811, G>A on the plus strand (C>T on the coding strand, the complement: HCN4 is on the minus strand). VCF-style: chr15-73367811-G-A. GRCh37 (hg19) VCF-style: chr15-73660152-G-A.
Other names: short protein forms R154C.
Identifiers: ClinVar variation 1741871 (VCV001741871.2), dbSNP rs2549080349, ClinGen allele CA393097953.
Genomic context (GRCh38, chr15:73,367,811, plus strand): 5'-GCTGCGGTGGCTGCTGGGGCGGCGGCGGCGAGGCTGCGGGCTGCGCCGAGGCGCCGGGGC[G>A]CTCGGGCTCGGCCGCCAGGCCTGGGGGCGTCCTGTCCTCGCCGGGGGACGCGTCGCCCTC-3'
Protein context (NP_005468.1, residues 144-164): TPPGLAAEPE[Arg154Cys]PGASAQPAAS

ClinVar aggregate classification (germline): Uncertain significance (1 of 4 stars; one submission).

Conditions:
Cardiovascular phenotype. Identifiers: MedGen CN230736.

Submission:

Ambry Genetics
Classification: Uncertain significance for Cardiovascular phenotype. Last evaluated: 2022-01-30. Review status: criteria provided, single submitter. Criteria: Ambry Variant Classification Scheme 2023. Collection method: clinical testing. Allele origin: germline.
Comment: The p.R154C variant (also known as c.460C>T), located in coding exon 1 of the HCN4 gene, results from a C to T substitution at nucleotide position 460. The arginine at codon 154 is replaced by cysteine, an amino acid with highly dissimilar properties. This amino acid position is conserved. In addition, this alteration is predicted to be tolerated by in silico analysis. Since supporting evidence is limited at this time, the clinical significance of this alteration remains unclear.